The following is an entry in ClinVar:

ClinVar aggregate classification (germline): Pathogenic/Likely pathogenic. Review status: criteria provided, multiple submitters, no conflicts (2 of 4 stars). 13 submissions from 12 submitters: Pathogenic (5); Likely pathogenic (7). 1 of the submissions does not count toward it. Last evaluated 2025-10-16.

Conditions:
Usher syndrome. Also called: Usher Syndromes; Usher's syndrome. Identifiers: Orphanet 886, MedGen CN469326, MeSH D052245, MONDO:0019501. Disease mechanism: loss of function.
USH2A-related disorder. Also called: USH2A-related condition; USH2A-related disorders. Identifiers: MedGen CN239332.
Retinitis pigmentosa 39 (RP39). Identifiers: Orphanet 791, MedGen C3151138, MONDO:0013436, OMIM 613809.
Usher syndrome type 2A. Also called: RETINAL DISEASE IN USHER SYNDROME TYPE IIA, MODIFIER OF; USHER SYNDROME, TYPE IIA. Identifiers: Orphanet 231178, Orphanet 886, MedGen C1848634, MONDO:0010169, OMIM 276901.

Allele frequency attached by ClinVar (database versions not stated): gnomAD exomes 0.00001; ExAC 0.00001; TOPMed 0.00001; gnomAD 0.00002.
gnomAD v4.1: 14 of 1,611,466 alleles (0.00087%); highest among the groups gnomAD compares: African/African-American, 0.0014%; no homozygotes.

Submissions (13):

Labcorp Genetics (formerly Invitae), Labcorp
Classification: Pathogenic. Last evaluated: 2025-10-16. Review status: criteria provided, single submitter. Criteria: Invitae Variant Classification Sherloc (09022015). Collection method: clinical testing. Allele origin: germline.
Comment: This sequence change affects an acceptor splice site in intron 67 of the USH2A gene. It is expected to disrupt RNA splicing. Variants that disrupt the donor or acceptor splice site typically lead to a loss of protein function (PMID: 16199547), and loss-of-function variants in USH2A are known to be pathogenic (PMID: 10729113, 10909849, 20507924, 25649381). This variant is present in population databases (rs137853923, gnomAD 0.002%). Disruption of this splice site has been observed in individuals with Usher syndrome (internal data). ClinVar contains an entry for this variant (Variation ID: 100610). Algorithms developed to predict the effect of sequence changes on RNA splicing suggest that this variant may disrupt the consensus splice site. For these reasons, this variant has been classified as Pathogenic.

Clinical Genetics Laboratory, University Hospital Schleswig-Holstein
Classification: Likely pathogenic for Usher syndrome type 2A. Last evaluated: 2025-01-21. Review status: criteria provided, single submitter. Criteria: ACMG Guidelines, 2015. Collection method: clinical testing. Allele origin: paternal. Affected: yes.
Comment: ACMG criteria applied: PM2, PS4, PVS1_Moderate, PP4

Natera, Inc.
Classification: Pathogenic for Usher syndrome type 2A. Last evaluated: 2024-06-27. Review status: criteria provided, single submitter. Criteria: Natera Variant Classification Schema (03/2026). Collection method: clinical testing. Allele origin: germline.
Comment: The c.14792-2A>G variant in USH2A is a canonical splice acceptor site variant predicted to affect pre-mRNA splicing, which may result in an abnormal transcript and altered protein product. This variant may result in a truncated or dysfunctional protein product. This variant is rare in the general population with a frequency below the threshold expected for the associated phenotype(s). This variant has been observed in one or more individuals affected with the associated recessive disease, as either homozygous or compound heterozygous with a second variant (PMID: 33089500). Another variant at this same site results in an alteration predicted to cause a similar molecular effect has been observed in individual(s) with the associated phenotype. Given the available evidence, this variant is classified as Pathogenic.

Baylor Genetics
Classification: Pathogenic for Retinitis pigmentosa 39. Last evaluated: 2024-01-19. Review status: criteria provided, single submitter. Criteria: ACMG Guidelines, 2015. Collection method: clinical testing. Allele origin: unknown.

Fulgent Genetics
Classification: Likely pathogenic for Usher syndrome type 2A; Retinitis pigmentosa 39. Last evaluated: 2024-01-16. Review status: criteria provided, single submitter. Criteria: ACMG Guidelines, 2015. Collection method: clinical testing. Allele origin: germline.

Blueprint Genetics
Classification: Pathogenic for USH2A-related disorders. Last evaluated: 2023-09-28. Review status: criteria provided, single submitter. Criteria: ACMG Guidelines, 2015. Collection method: clinical testing. Allele origin: germline. Affected: yes. Observed: 5 variant alleles.

Genome-Nilou Lab
Classification: Likely pathogenic for Retinitis pigmentosa 39. Last evaluated: 2023-04-11. Review status: criteria provided, single submitter. Criteria: ACMG Guidelines, 2015. Collection method: clinical testing. Allele origin: germline. Affected: no.

Genome-Nilou Lab
Classification: Likely pathogenic for Usher syndrome type 2A. Last evaluated: 2023-04-11. Review status: criteria provided, single submitter. Criteria: ACMG Guidelines, 2015. Collection method: clinical testing. Allele origin: germline. Affected: no.

Clinical Genomics Laboratory, Stanford Medicine
Classification: Likely pathogenic for Usher syndrome type 2A. Last evaluated: 2023-03-22. Review status: criteria provided, single submitter. Criteria: ACMG Guidelines, 2015. Collection method: clinical testing. Allele origin: germline. Inheritance: Autosomal recessive inheritance. Observed: 1 variant allele, 1 heterozygote.
Comment: The c.14792-2A>G variant in the USH2A gene has been previously reported in the compound heterozygous state in at least 2 unrelated with individuals with Usher syndrome (PMID: 30796641; PMID: 33089500). This variant has been identified in 2/113,632 European non-Finnish chromosomes (2/251,336 chromosomes overall) by the Genome Aggregation Database. Although this variant has been seen in the general population, its frequency is low enough to be consistent with a recessive carrier frequency. This variant is present in ClinVar (Accession: VCV000100610.18). This variant alters the canonical 3’ acceptor splice site in intron 67, which is predicted to result in abnormal gene splicing and loss of normal protein function through either protein truncation or nonsense-mediated decay. Loss-of-function is an established mechanism of disease for the USH2A gene (PMID: 25481835). These data were assessed using the ACMG/AMP variant interpretation guidelines. In summary, there is sufficient evidence to classify the c.14792-2A>G variant as likely pathogenic for autosomal recessive Usher syndrome type II based on the information above. [ACMG evidence codes used: PVS1_Strong; PM2; PM3_Supporting]

Women's Health and Genetics/Laboratory Corporation of America, LabCorp
Classification: Likely pathogenic for Usher syndrome. Last evaluated: 2022-11-15. Review status: criteria provided, single submitter. Criteria: LabCorp Variant Classification Summary - May 2015. Collection method: clinical testing. Allele origin: germline.
Comment: Variant summary: USH2A c.14792-2A>G is located in a canonical splice-site and is predicted to affect mRNA splicing resulting in a significantly altered protein due to either exon skipping, shortening, or inclusion of intronic material. Several computational tools predict a significant impact on normal splicing: Four predict the variant abolishes the canonical 3' acceptor site. However, these predictions have yet to be confirmed by functional studies. The variant allele was found at a frequency of 8e-06 in 251336 control chromosomes (gnomAD). c.14792-2A>G has been reported in the literature in individuals affected with Usher Syndrome (examples: Vezinaw_2019 and Wafa_2021). These data indicate that the variant may be associated with disease. Four clinical diagnostic laboratories have submitted clinical-significance assessments for this variant to ClinVar after 2014 and all classified the variant as pathogenic/likely pathogenic. Based on the evidence outlined above, the variant was classified as likely pathogenic.

Ocular Genomics Institute, Massachusetts Eye and Ear
Classification: Pathogenic for Retinitis pigmentosa 39. Last evaluated: 2021-04-08. Review status: criteria provided, single submitter. Criteria: ACMG Guidelines, 2015. Collection method: research. Allele origin: germline. Affected: yes.
Comment: Through a review of available evidence we were able to apply the following criteria: PVS1, PM2, PP3. Based on this evidence we have classified this variant as Pathogenic.

GeneDx
Classification: Likely pathogenic. Last evaluated: 2019-07-20. Review status: criteria provided, single submitter. Criteria: GeneDx Variant Classification Process June 2021. Collection method: clinical testing. Allele origin: germline. Affected: yes.
Comment: Canonical splice site variant predicted to result in an in-frame deletion of a critical region; Not observed at a significant frequency in large population cohorts (Lek et al., 2016); This variant is associated with the following publications: (PMID: 22025579, 30796641)

NEI Ophthalmic Genomics Laboratory, National Institutes of Health
No classification provided. Review status: no classification provided. Collection method: not provided. Allele origin: not provided. Not counted in ClinVar's aggregate classification.

Literature cited by the submitters: PubMed 16199547 (cited by Labcorp Genetics (formerly Invitae), Labcorp); PubMed 10729113 (cited by Labcorp Genetics (formerly Invitae), Labcorp and Ocular Genomics Institute, Massachusetts Eye and Ear); PubMed 10909849 (cited by Labcorp Genetics (formerly Invitae), Labcorp and Ocular Genomics Institute, Massachusetts Eye and Ear); PubMed 20507924 (cited by Labcorp Genetics (formerly Invitae), Labcorp and Ocular Genomics Institute, Massachusetts Eye and Ear); PubMed 25649381 (cited by Labcorp Genetics (formerly Invitae), Labcorp and Ocular Genomics Institute, Massachusetts Eye and Ear); PubMed 33089500 (cited by 3 submitters); PubMed 30796641 (cited by Clinical Genomics Laboratory, Stanford Medicine and Women's Health and Genetics/Laboratory Corporation of America, LabCorp); PubMed 25481835 (cited by Clinical Genomics Laboratory, Stanford Medicine); PubMed 22025579 (cited by Women's Health and Genetics/Laboratory Corporation of America, LabCorp); PubMed 26667666 (cited by Women's Health and Genetics/Laboratory Corporation of America, LabCorp).

NM_206933.4(USH2A):c.14792-2A>G

Gene: USH2A (usherin; minus strand). Cytogenetic location: 1q41.
Variant type: single nucleotide variant.
Coding change: c.14792-2A>G on transcript NM_206933.4 (MANE Select); the canonical splice acceptor site of the intron before coding-DNA position 14792, A replaced by G.
Molecular consequence: splice acceptor variant.
Genome position (GRCh38, 1-based): chr1:215,640,736, T>C on the plus strand (A>G on the coding strand, the complement: USH2A is on the minus strand). VCF-style: chr1-215640736-T-C. GRCh37 (hg19) VCF-style: chr1-215814078-T-C.
Identifiers: ClinVar variation 100610 (VCV000100610.22), dbSNP rs137853923, ClinGen allele CA228956.